The following is an entry in ClinVar:

ClinVar aggregate classification (germline): Uncertain significance (1 of 4 stars; one submission).

Allele frequency attached by ClinVar (database versions not stated): gnomAD exomes 0.00003; gnomAD 0.00004; TOPMed 0.00006; ExAC 0.00007.

Submission:

Labcorp Genetics (formerly Invitae), Labcorp
Classification: Uncertain significance. Last evaluated: 2024-04-22. Review status: criteria provided, single submitter. Criteria: Invitae Variant Classification Sherloc (09022015). Collection method: clinical testing. Allele origin: germline.
Comment: This sequence change replaces arginine, which is basic and polar, with cysteine, which is neutral and slightly polar, at codon 349 of the CYP17A1 protein (p.Arg349Cys). This variant is present in population databases (rs138905928, gnomAD 0.03%). This variant has not been reported in the literature in individuals affected with CYP17A1-related conditions. ClinVar contains an entry for this variant (Variation ID: 2201961). Algorithms developed to predict the effect of missense changes on protein structure and function output the following: SIFT: "Not Available"; PolyPhen-2: "Benign"; Align-GVGD: "Not Available". The cysteine amino acid residue is found in multiple mammalian species, which suggests that this missense change does not adversely affect protein function. In summary, the available evidence is currently insufficient to determine the role of this variant in disease. Therefore, it has been classified as a Variant of Uncertain Significance.

NM_000102.4(CYP17A1):c.1045C>T (p.Arg349Cys)

Gene: CYP17A1 (cytochrome P450 family 17 subfamily A member 1; minus strand). Cytogenetic location: 10q24.32.
Variant type: single nucleotide variant.
Coding change: c.1045C>T on transcript NM_000102.4 (MANE Select); coding-DNA position 1045, C replaced by T.
Protein change: p.Arg349Cys; replaces arginine 349 with cysteine.
Molecular consequence: missense variant.
Genome position (GRCh38, 1-based): chr10:102,832,605, G>A on the plus strand (C>T on the coding strand, the complement: CYP17A1 is on the minus strand). VCF-style: chr10-102832605-G-A. GRCh37 (hg19) VCF-style: chr10-104592362-G-A.
Other names: short protein forms R349C.
Identifiers: ClinVar variation 2201961 (VCV002201961.2), dbSNP rs138905928, ClinGen allele CA5669412.